The following is an entry in ClinVar:

ClinVar aggregate classification (germline): Uncertain significance (1 of 4 stars; one submission).

Submission:

GeneDx
Classification: Uncertain significance. Last evaluated: 2022-03-31. Review status: criteria provided, single submitter. Criteria: GeneDx Variant Classification Process June 2021. Collection method: clinical testing. Allele origin: germline. Affected: yes.
Comment: Not observed at significant frequency in large population cohorts (gnomAD); In silico analysis supports that this missense variant has a deleterious effect on protein structure/function; Has not been previously published as pathogenic or benign to our knowledge

NM_020988.3(GNAO1):c.326A>T (p.Asp109Val)

Gene: GNAO1 (G protein subunit alpha o1; plus strand). Cytogenetic location: 16q13.
Variant type: single nucleotide variant.
Coding change: c.326A>T on transcript NM_020988.3 (MANE Select); coding-DNA position 326, A replaced by T.
Protein change: p.Asp109Val; replaces aspartic acid 109 with valine.
Molecular consequence: missense variant.
Genome position (GRCh38, 1-based): chr16:56,328,653, A>T. VCF-style: chr16-56328653-A-T. GRCh37 (hg19) VCF-style: chr16-56362565-A-T.
Other names: c.326A>T, p.Asp109Val (NM_138736.3); short protein forms D109V.
Identifiers: ClinVar variation 1707928 (VCV001707928.2), dbSNP rs2037659126, ClinGen allele CA395949728.